The following is an entry in ClinVar:

NM_024301.5(FKRP):c.1077G>A (p.Trp359Ter)

Gene: FKRP (fukutin related protein; plus strand). Cytogenetic location: 19q13.32.
Variant type: single nucleotide variant.
Coding change: c.1077G>A on transcript NM_024301.5 (MANE Select); coding-DNA position 1077, G replaced by A.
Protein change: p.Trp359Ter; replaces tryptophan 359 with a stop codon.
Molecular consequence: nonsense.
Genome position (GRCh38, 1-based): chr19:46,756,527, G>A. VCF-style: chr19-46756527-G-A. GRCh37 (hg19) VCF-style: chr19-47259784-G-A.
Other names: c.1077G>A, p.Trp359Ter (NM_001039885.3); short protein forms W359*.
Identifiers: ClinVar variation 3241626 (VCV003241626.3), dbSNP rs2054929597.

ClinVar aggregate classification (germline): Pathogenic/Likely pathogenic. Review status: criteria provided, multiple submitters, no conflicts (2 of 4 stars). 2 submissions from 2 submitters: Pathogenic (1); Likely pathogenic (1). Last evaluated 2024-12-04.

Conditions:
Walker-Warburg congenital muscular dystrophy. Also called: Muscular dystrophy-dystroglycanopathy, type A; Walker-Warburg syndrome. Identifiers: Orphanet 899, MedGen C0265221, MONDO:0000171.
Muscular dystrophy-dystroglycanopathy (congenital with brain and eye anomalies), type A5. Also called: WALKER-WARBURG SYNDROME OR MUSCLE-EYE-BRAIN DISEASE, FKRP-RELATED; MUSCULAR DYSTROPHY-DYSTROGLYCANOPATHY (CONGENITAL WITH BRAIN AND EYE ANOMALIES), TYPE A, 5. Identifiers: Orphanet 588, Orphanet 899, MedGen C3150413, MONDO:0013157, OMIM 613153.

Allele frequency attached by ClinVar (database versions not stated): TOPMed below 0.00001.

Submissions (2):

Labcorp Genetics (formerly Invitae), Labcorp
Classification: Pathogenic for Walker-Warburg congenital muscular dystrophy. Last evaluated: 2024-12-04. Review status: criteria provided, single submitter. Criteria: Invitae Variant Classification Sherloc (09022015). Collection method: clinical testing. Allele origin: germline.
Comment: This sequence change creates a premature translational stop signal (p.Trp359*) in the FKRP gene. While this is not anticipated to result in nonsense mediated decay, it is expected to disrupt the last 137 amino acid(s) of the FKRP protein. This variant is not present in population databases (gnomAD no frequency). This variant has not been reported in the literature in individuals affected with FKRP-related conditions. ClinVar contains an entry for this variant (Variation ID: 3241626). This variant disrupts a region of the FKRP protein in which other variant(s) (p.Ile478Thr) have been determined to be pathogenic (PMID: 16476814, 18639457, 19299310). This suggests that this is a clinically significant region of the protein, and that variants that disrupt it are likely to be disease-causing. For these reasons, this variant has been classified as Pathogenic.

Baylor Genetics
Classification: Likely pathogenic for Muscular dystrophy-dystroglycanopathy (congenital with brain and eye anomalies), type A5. Last evaluated: 2024-02-05. Review status: criteria provided, single submitter. Criteria: ACMG Guidelines, 2015. Collection method: clinical testing. Allele origin: unknown.

Literature cited by the submitters: PubMed 16476814 (cited by Labcorp Genetics (formerly Invitae), Labcorp); PubMed 18639457 (cited by Labcorp Genetics (formerly Invitae), Labcorp); PubMed 19299310 (cited by Labcorp Genetics (formerly Invitae), Labcorp).